The following is an entry in ClinVar:

ClinVar aggregate classification (germline): Uncertain significance (1 of 4 stars; one submission).

Conditions:
Retinoblastoma (RB1). Also called: RETINOBLASTOMA, SOMATIC. Identifiers: Orphanet 790, MedGen C0035335, MeSH D012175, MONDO:0008380, OMIM 180200, HP:0009919. Disease mechanism: loss of function. Inheritance: Both sporadic and heritable forms are tested..

Submission:

Labcorp Genetics (formerly Invitae), Labcorp
Classification: Uncertain significance for Retinoblastoma. Last evaluated: 2024-02-22. Review status: criteria provided, single submitter. Criteria: Invitae Variant Classification Sherloc (09022015). Collection method: clinical testing. Allele origin: germline.
Comment: This sequence change replaces aspartic acid, which is acidic and polar, with histidine, which is basic and polar, at codon 85 of the RB1 protein (p.Asp85His). This variant is not present in population databases (gnomAD no frequency). This variant has not been reported in the literature in individuals affected with RB1-related conditions. Advanced modeling of protein sequence and biophysical properties (such as structural, functional, and spatial information, amino acid conservation, physicochemical variation, residue mobility, and thermodynamic stability) performed at Invitae indicates that this missense variant is not expected to disrupt RB1 protein function with a negative predictive value of 80%. In summary, the available evidence is currently insufficient to determine the role of this variant in disease. Therefore, it has been classified as a Variant of Uncertain Significance.

NM_000321.3(RB1):c.253G>C (p.Asp85His)

Gene: RB1 (RB transcriptional corepressor 1; plus strand). Cytogenetic location: 13q14.2.
Variant type: single nucleotide variant.
Coding change: c.253G>C on transcript NM_000321.3 (MANE Select); coding-DNA position 253, G replaced by C.
Protein change: p.Asp85His; replaces aspartic acid 85 with histidine.
Molecular consequence: missense variant.
Genome position (GRCh38, 1-based): chr13:48,307,395, G>C. VCF-style: chr13-48307395-G-C. GRCh37 (hg19) VCF-style: chr13-48881531-G-C.
Other names: c.253G>C, p.Asp85His (NM_001407165.1, NM_001407166.1, NM_001407167.1); short protein forms D85H.
Identifiers: ClinVar variation 3642341 (VCV003642341.2).